The following is an entry in ClinVar:

NM_001457.4(FLNB):c.614C>T (p.Ala205Val)

Gene: FLNB (filamin B; plus strand). Cytogenetic location: 3p14.3.
Variant type: single nucleotide variant.
Coding change: c.614C>T on transcript NM_001457.4 (MANE Select); coding-DNA position 614, C replaced by T.
Protein change: p.Ala205Val; replaces alanine 205 with valine.
Molecular consequence: missense variant.
Genome position (GRCh38, 1-based): chr3:58,078,789, C>T. VCF-style: chr3-58078789-C-T. GRCh37 (hg19) VCF-style: chr3-58064516-C-T.
Other names: c.614C>T, p.Ala205Val (NM_001164317.2, NM_001164318.2, NM_001164319.2); short protein forms A205V.
Identifiers: ClinVar variation 3346475 (VCV003346475.1).

ClinVar aggregate classification (germline): Likely pathogenic (0 of 4 stars; one submission).

Conditions:
FLNB-related disorder. Also called: FLNB-related disorders; FLNB-related condition. Identifiers: MedGen CN381095.

Submission:

PreventionGenetics, part of Exact Sciences
Classification: Likely pathogenic for FLNB-related condition. Last evaluated: 2024-07-18. Review status: no assertion criteria provided. Collection method: clinical testing. Allele origin: germline.
Comment: The FLNB c.614C>T variant is predicted to result in the amino acid substitution p.Ala205Val. To our knowledge, this variant has not been reported in the literature or in a large population database, indicating this variant is rare. A different variant affecting the same amino acid (Ala205Thr) was reported as de novo in one individual with atelosteogenesis I (Daniel et al. 2012. PubMed ID: 22190451). This variant is interpreted as likely pathogenic.